The following is an entry in ClinVar:

NM_031471.6(FERMT3):c.629T>A (p.Leu210His)

Gene: FERMT3 (FERM domain containing kindlin 3; plus strand). Cytogenetic location: 11q13.1.
Variant type: single nucleotide variant.
Coding change: c.629T>A on transcript NM_031471.6 (MANE Select); coding-DNA position 629, T replaced by A.
Protein change: p.Leu210His; replaces leucine 210 with histidine.
Molecular consequence: missense variant.
Genome position (GRCh38, 1-based): chr11:64,211,389, T>A. VCF-style: chr11-64211389-T-A. GRCh37 (hg19) VCF-style: chr11-63978861-T-A.
Other names: c.629T>A, p.Leu210His (NM_001382361.1, NM_001382362.1, NM_001382448.1 and 1 more transcripts); c.89T>A, p.Leu30His (NM_001382363.1, NM_001382364.1); short protein forms L30H, L210H.
Identifiers: ClinVar variation 953962 (VCV000953962.10), dbSNP rs147374831, ClinGen allele CA6068826.

ClinVar aggregate classification (germline): Uncertain significance. Review status: criteria provided, multiple submitters, no conflicts (2 of 4 stars). 2 submissions from 2 submitters: Uncertain significance (2). Last evaluated 2025-01-17.

Conditions:
Inborn genetic diseases. Identifiers: MedGen C0950123, MeSH D030342.
Leukocyte adhesion deficiency 3. Also called: INTEGRIN ACTIVATION DEFICIENCY DISEASE; LEUKOCYTE ADHESION DEFICIENCY 1 VARIANT; Leukocyte adhesion deficiency, type III. Identifiers: Orphanet 2968, Orphanet 99844, MedGen C2748536, MONDO:0013016, OMIM 612840.

Allele frequency attached by ClinVar (database versions not stated): ExAC below 0.00001; gnomAD exomes 0.00001; TOPMed 0.00002; gnomAD 0.00003; ESP Exome Variant Server 0.00008.
gnomAD v4.1: 11 of 1,606,870 alleles (0.00068%); highest among the groups gnomAD compares: African/African-American, 0.0067%; no homozygotes.

Submissions (2):

Ambry Genetics
Classification: Uncertain significance for Inborn genetic diseases. Last evaluated: 2025-01-17. Review status: criteria provided, single submitter. Criteria: Ambry Variant Classification Scheme 2023. Collection method: clinical testing. Allele origin: germline.

Labcorp Genetics (formerly Invitae), Labcorp
Classification: Uncertain significance for Leukocyte adhesion deficiency 3. Last evaluated: 2019-07-19. Review status: criteria provided, single submitter. Criteria: Invitae Variant Classification Sherloc (09022015). Collection method: clinical testing. Allele origin: germline.
Comment: This sequence change replaces leucine with histidine at codon 210 of the FERMT3 protein (p.Leu210His). The leucine residue is moderately conserved and there is a moderate physicochemical difference between leucine and histidine. The frequency data for this variant in the population databases is considered unreliable, as metrics indicate poor data quality at this position in the ExAC database. This variant has not been reported in the literature in individuals with FERMT3-related conditions. Algorithms developed to predict the effect of missense changes on protein structure and function are either unavailable or do not agree on the potential impact of this missense change (SIFT: "Tolerated"; PolyPhen-2: "Probably Damaging"; Align-GVGD: "Class C0"). In summary, the available evidence is currently insufficient to determine the role of this variant in disease. Therefore, it has been classified as a Variant of Uncertain Significance.